The following is an entry in ClinVar:

NM_001105206.3(LAMA4):c.249C>G (p.Asp83Glu)

Gene: LAMA4 (laminin subunit alpha 4; minus strand). Cytogenetic location: 6q21.
Variant type: single nucleotide variant.
Coding change: c.249C>G on transcript NM_001105206.3 (MANE Select); coding-DNA position 249, C replaced by G.
Protein change: p.Asp83Glu; replaces aspartic acid 83 with glutamic acid.
Molecular consequence: missense variant.
Genome position (GRCh38, 1-based): chr6:112,216,416, G>C on the plus strand (C>G on the coding strand, the complement: LAMA4 is on the minus strand). VCF-style: chr6-112216416-G-C. GRCh37 (hg19) VCF-style: chr6-112537617-G-C.
Other names: c.249C>G, p.Asp83Glu (NM_001105207.3, NM_002290.5); short protein forms D83E.
Identifiers: ClinVar variation 3366200 (VCV003366200.1).
Genomic context (GRCh38, chr6:112,216,416, plus strand): 5'-GCCCCAACTTACCACACAGTATCCTGAGCCGTCCAAACACTCGTTGGAATTGCCATTACA[G>C]TCGCAGGGCACACATTCTCCCGACAGGGTGTGAAAGAATCCAGCATTGCATTTCTGCAAC-3'
Protein context (NP_001098676.2, residues 73-93): HTLSGECVPC[Asp83Glu]CNGNSNECLD

ClinVar aggregate classification (germline): Uncertain significance (1 of 4 stars; one submission).

Submission:

GeneDx
Classification: Uncertain significance. Last evaluated: 2023-10-19. Review status: criteria provided, single submitter. Criteria: GeneDx Variant Classification Process June 2021. Collection method: clinical testing. Allele origin: germline. Affected: yes.
Comment: Not observed at significant frequency in large population cohorts (gnomAD); In silico analysis supports that this missense variant has a deleterious effect on protein structure/function; Has not been previously published as pathogenic or benign to our knowledge